The following is an entry in ClinVar:

ClinVar aggregate classification (germline): Benign. Review status: criteria provided, multiple submitters, no conflicts (2 of 4 stars). 17 submissions from 15 submitters: Benign (13). 4 of the submissions do not count toward it. Last evaluated 2026-02-04.

Conditions:
Pontoneocerebellar hypoplasia. Also called: Non-syndromic pontocerebellar hypoplasia; Pontocerebellar hypoplasia. Identifiers: Orphanet 98523, MedGen C1261175, MONDO:0020135.
Pontocerebellar hypoplasia type 5 (PCH5). Also called: Pontocerebellar Hypoplasia Type 5 (PCH5). Identifiers: Orphanet 166068, MedGen C1857762, MONDO:0012438, OMIM 610204.
Pontocerebellar hypoplasia type 2A (PCH2A). Also called: PONTOCEREBELLAR HYPOPLASIA WITH PROGRESSIVE CEREBRAL ATROPHY; VOLENDAM NEURODEGENERATIVE DISEASE. Identifiers: Orphanet 2524, MedGen C1848526, MONDO:0010190, OMIM 277470.
Pontocerebellar hypoplasia type 4 (PCH4). Also called: Pontocerebellar Hypoplasia Type 4 (PCH4). Identifiers: Orphanet 166063, MedGen C1856974, MONDO:0009166, OMIM 225753.

Allele frequency attached by ClinVar (database versions not stated): 1000 Genomes Project 0.44469; ESP Exome Variant Server 0.54040; TOPMed 0.49055; ExAC 0.64141; gnomAD exomes 0.67087 and 0.58492; 1000 Genomes Project 30x 0.43691.
gnomAD v4.1: 1,030,730 of 1,572,714 alleles (66%); highest among the groups gnomAD compares: Non-Finnish European, 70%; 350,494 homozygotes.

Submissions (17):

Labcorp Genetics (formerly Invitae), Labcorp
Classification: Benign. Last evaluated: 2026-02-04. Review status: criteria provided, single submitter. Criteria: Invitae Variant Classification Sherloc (09022015). Collection method: clinical testing. Allele origin: germline.

Blueprint Genetics
Classification: Benign. Last evaluated: 2024-11-28. Review status: criteria provided, single submitter. Criteria: ACMG Guidelines, 2015. Collection method: clinical testing. Allele origin: germline.

Genome-Nilou Lab
Classification: Benign for Pontocerebellar hypoplasia type 5. Last evaluated: 2021-09-10. Review status: criteria provided, single submitter. Criteria: ACMG Guidelines, 2015. Collection method: clinical testing. Allele origin: germline. Affected: no.

Genome-Nilou Lab
Classification: Benign for Pontocerebellar hypoplasia type 2A. Last evaluated: 2021-09-10. Review status: criteria provided, single submitter. Criteria: ACMG Guidelines, 2015. Collection method: clinical testing. Allele origin: germline. Affected: no.

Genome-Nilou Lab
Classification: Benign for Pontocerebellar hypoplasia type 4. Last evaluated: 2021-09-10. Review status: criteria provided, single submitter. Criteria: ACMG Guidelines, 2015. Collection method: clinical testing. Allele origin: germline. Affected: no.

Mendelics
Classification: Benign for Pontocerebellar hypoplasia type 4. Last evaluated: 2019-05-28. Review status: criteria provided, single submitter. Criteria: Mendelics Assertion Criteria 2017. Collection method: clinical testing. Allele origin: unknown.

Illumina Laboratory Services, Illumina
Classification: Benign for Pontoneocerebellar hypoplasia. Last evaluated: 2018-01-13. Review status: criteria provided, single submitter. Criteria: ICSL Variant Classification Criteria 13 December 2019. Collection method: clinical testing. Allele origin: germline.
Comment: This variant was observed in the ICSL laboratory as part of a predisposition screen in an ostensibly healthy population. It had not been previously curated by ICSL or reported in the Human Gene Mutation Database (HGMD: prior to June 1st, 2018), and was therefore a candidate for classification through an automated scoring system. Utilizing variant allele frequency, disease prevalence and penetrance estimates, and inheritance mode, an automated score was calculated to assess if this variant is too frequent to cause the disease. Based on the score and internal cut-off values, a variant classified as benign is not then subjected to further curation. The score for this variant resulted in a classification of benign for this disease.

Athena Diagnostics
Classification: Benign. Last evaluated: 2017-04-20. Review status: criteria provided, single submitter. Criteria: Athena Diagnostics Criteria. Collection method: clinical testing. Allele origin: germline.

GeneDx
Classification: Benign. Last evaluated: 2015-03-03. Review status: criteria provided, single submitter. Criteria: GeneDx Variant Classification Process June 2021. Collection method: clinical testing. Allele origin: germline. Affected: yes.

Eurofins Ntd Llc (ga)
Classification: Benign. Last evaluated: 2014-04-08. Review status: criteria provided, single submitter. Criteria: EGL Classification Definitions 2015. Collection method: clinical testing. Allele origin: germline. Observed: 4 variant alleles, 3 heterozygotes, 1 homozygote.

Genetic Services Laboratory, University of Chicago
Classification: Benign. Last evaluated: 2013-02-08. Review status: criteria provided, single submitter. Criteria: ACMG Guidelines, 2007. Collection method: clinical testing. Allele origin: germline. Inheritance: Autosomal recessive inheritance.

Breakthrough Genomics
Classification: Benign. Review status: criteria provided, single submitter. Criteria: ACMG Guidelines, 2015. Collection method: not provided. Allele origin: germline. Inheritance: Autosomal recessive inheritance. Affected: yes.

PreventionGenetics, part of Exact Sciences
Classification: Benign. Review status: criteria provided, single submitter. Criteria: ACMG Guidelines, 2015. Collection method: clinical testing. Allele origin: germline.

Clinical Genetics DNA and cytogenetics Diagnostics Lab, Erasmus MC, Erasmus Medical Center
Classification: Benign. Review status: no assertion criteria provided. Collection method: clinical testing. Allele origin: germline. Affected: yes. Study: VKGL Data-share Consensus. Not counted in ClinVar's aggregate classification.

Clinical Genetics, Academic Medical Center
Classification: Benign. Review status: no assertion criteria provided. Collection method: clinical testing. Allele origin: germline. Affected: yes. Study: VKGL Data-share Consensus. Not counted in ClinVar's aggregate classification.

Diagnostic Laboratory, Department of Genetics, University Medical Center Groningen
Classification: Benign. Review status: no assertion criteria provided. Collection method: clinical testing. Allele origin: germline. Affected: yes. Study: VKGL Data-share Consensus. Not counted in ClinVar's aggregate classification.

Joint Genome Diagnostic Labs from Nijmegen and Maastricht, Radboudumc and MUMC+
Classification: Benign. Review status: no assertion criteria provided. Collection method: clinical testing. Allele origin: germline. Affected: yes. Study: VKGL Data-share Consensus. Not counted in ClinVar's aggregate classification.

NM_207346.3(TSEN54):c.1041G>C (p.Lys347Asn)

Gene: TSEN54 (tRNA splicing endonuclease subunit 54; plus strand). Cytogenetic location: 17q25.1.
Variant type: single nucleotide variant.
Coding change: c.1041G>C on transcript NM_207346.3 (MANE Select); coding-DNA position 1041, G replaced by C.
Protein change: p.Lys347Asn; replaces lysine 347 with asparagine.
Molecular consequence: missense variant.
Genome position (GRCh38, 1-based): chr17:75,522,122, G>C. VCF-style: chr17-75522122-G-C. GRCh37 (hg19) VCF-style: chr17-73518203-G-C.
Other names: short protein forms K347N.
Identifiers: ClinVar variation 160123 (VCV000160123.34), dbSNP rs9911502, ClinGen allele CA173704.